The following is an entry in ClinVar:

ClinVar aggregate classification (germline): Uncertain significance. Review status: criteria provided, multiple submitters, no conflicts (2 of 4 stars). 2 submissions from 2 submitters: Uncertain significance (2). Last evaluated 2023-12-20.

Allele frequency attached by ClinVar (database versions not stated): gnomAD 0.00003; TOPMed 0.00003; ExAC 0.00001; gnomAD exomes below 0.00001.
gnomAD v4.1: 8 of 1,613,694 alleles (0.0005%); highest among the groups gnomAD compares: Admixed American, 0.005%; no homozygotes.

Submissions (2):

Labcorp Genetics (formerly Invitae), Labcorp
Classification: Uncertain significance. Last evaluated: 2023-12-20. Review status: criteria provided, single submitter. Criteria: Invitae Variant Classification Sherloc (09022015). Collection method: clinical testing. Allele origin: germline.
Comment: This sequence change replaces glutamic acid, which is acidic and polar, with lysine, which is basic and polar, at codon 627 of the ADAMTS13 protein (p.Glu627Lys). This variant is present in population databases (rs60398774, gnomAD 0.004%). This variant has not been reported in the literature in individuals affected with ADAMTS13-related conditions. ClinVar contains an entry for this variant (Variation ID: 2071272). Advanced modeling of protein sequence and biophysical properties (such as structural, functional, and spatial information, amino acid conservation, physicochemical variation, residue mobility, and thermodynamic stability) performed at Invitae indicates that this missense variant is not expected to disrupt ADAMTS13 protein function with a negative predictive value of 80%. In summary, the available evidence is currently insufficient to determine the role of this variant in disease. Therefore, it has been classified as a Variant of Uncertain Significance.

Mayo Clinic Laboratories, Mayo Clinic
Classification: Uncertain significance. Last evaluated: 2023-03-22. Review status: criteria provided, single submitter. Criteria: ACMG Guidelines, 2015. Collection method: clinical testing. Allele origin: germline. Observed: 2 variant alleles.

NM_139027.6(ADAMTS13):c.1879G>A (p.Glu627Lys)

Gene: ADAMTS13 (ADAM metallopeptidase with thrombospondin type 1 motif 13; plus strand). Cytogenetic location: 9q34.2.
Variant type: single nucleotide variant.
Coding change: c.1879G>A on transcript NM_139027.6 (MANE Select); coding-DNA position 1879, G replaced by A.
Protein change: p.Glu627Lys; replaces glutamic acid 627 with lysine.
Molecular consequence: missense variant. On other transcripts: non-coding transcript variant (1).
Genome position (GRCh38, 1-based): chr9:133,440,436, G>A. VCF-style: chr9-133440436-G-A. GRCh37 (hg19) VCF-style: chr9-136305557-G-A.
Other names: p.Glu627Lys; c.1879G>A, p.Glu627Lys (NM_139025.5); c.1786G>A, p.Glu596Lys (NM_139026.6); short protein forms E596K, E627K.
Identifiers: ClinVar variation 2071272 (VCV002071272.5), dbSNP rs60398774, ClinGen allele CA200932532.
Genomic context (GRCh38, chr9:133,440,436, plus strand): 5'-GGGAAGATGAGCATCTCCCCTAACACCACCTACCCCTCCCTCCTGGAGGATGGTCGTGTC[G>A]AGTACAGAGTGGCCCTCACCGAGGACCGGCTGCCCCGCCTGGAGGAGATCCGCATCTGGG-3'
Protein context (NP_620596.2, residues 617-637): YPSLLEDGRV[Glu627Lys]YRVALTEDRL